The following is an entry in ClinVar:

NM_000038.6(APC):c.7374A>T (p.Glu2458Asp)

Gene: APC (APC regulator of Wnt signaling pathway; plus strand). Cytogenetic location: 5q22.2.
Variant type: single nucleotide variant.
Coding change: c.7374A>T on transcript NM_000038.6 (MANE Select); coding-DNA position 7374, A replaced by T.
Protein change: p.Glu2458Asp; replaces glutamic acid 2458 with aspartic acid.
Molecular consequence: missense variant.
Genome position (GRCh38, 1-based): chr5:112,842,968, A>T. VCF-style: chr5-112842968-A-T. GRCh37 (hg19) VCF-style: chr5-112178665-A-T.
Other names: c.7374A>T, p.Glu2458Asp (NM_001127510.3, NM_001354895.2); c.7320A>T, p.Glu2440Asp (NM_001127511.3); c.7428A>T, p.Glu2476Asp (NM_001354896.2); c.7404A>T, p.Glu2468Asp (NM_001354897.2); c.7299A>T, p.Glu2433Asp (NM_001354898.2); c.7290A>T, p.Glu2430Asp (NM_001354899.2); c.7251A>T, p.Glu2417Asp (NM_001354900.2); c.7197A>T, p.Glu2399Asp (NM_001354901.2); and 5 more; short protein forms E2440D, E2458D, E2367D, E2430D, E2175D, E2357D, E2399D, E2433D.
Identifiers: ClinVar variation 537437 (VCV000537437.6), dbSNP rs1554088285, ClinGen allele CA16037396.
Genomic context (GRCh38, chr5:112,842,968, plus strand): 5'-ACGCCAGTCAACTTTCATCAAAGAAGCTCCAAGCCCAACCTTAAGAAGAAAATTGGAGGA[A>T]TCTGCTTCATTTGAATCTCTTTCTCCATCATCTAGACCAGCTTCTCCCACTAGGTCCCAG-3'
Protein context (NP_000029.2, residues 2448-2468): PSPTLRRKLE[Glu2458Asp]SASFESLSPS

ClinVar aggregate classification (germline): Uncertain significance. Review status: criteria provided, multiple submitters, no conflicts (2 of 4 stars). 2 submissions from 2 submitters: Uncertain significance (2). Last evaluated 2024-02-16.

Conditions:
Hereditary cancer-predisposing syndrome. Also called: Tumor predisposition; Hereditary Cancer Syndrome; Hereditary neoplastic syndrome; Neoplastic Syndromes, Hereditary. Identifiers: Orphanet 140162, MedGen C0027672, MeSH D009386, MONDO:0015356.
Familial adenomatous polyposis 1 (FAP1). Also called: FAMILIAL ADENOMATOUS POLYPOSIS 1, ATTENUATED; POLYPOSIS, ADENOMATOUS INTESTINAL. Identifiers: MedGen C2713442, MONDO:0021056, OMIM 175100. Disease mechanism: loss of function.

Submissions (2):

Ambry Genetics
Classification: Uncertain significance for Hereditary cancer-predisposing syndrome. Last evaluated: 2024-02-16. Review status: criteria provided, single submitter. Criteria: Ambry Variant Classification Scheme 2023. Collection method: clinical testing. Allele origin: germline.
Comment: The p.E2458D variant (also known as c.7374A>T), located in coding exon 15 of the APC gene, results from an A to T substitution at nucleotide position 7374. The glutamic acid at codon 2458 is replaced by aspartic acid, an amino acid with highly similar properties. This amino acid position is conserved. In addition, in silico predictors for this gene do not accurately predict pathogenicity. Based on the available evidence, the clinical significance of this alteration remains unclear.

Labcorp Genetics (formerly Invitae), Labcorp
Classification: Uncertain significance for Familial adenomatous polyposis 1. Last evaluated: 2021-12-08. Review status: criteria provided, single submitter. Criteria: Invitae Variant Classification Sherloc (09022015). Collection method: clinical testing. Allele origin: germline.
Comment: This sequence change replaces glutamic acid, which is acidic and polar, with aspartic acid, which is acidic and polar, at codon 2458 of the APC protein (p.Glu2458Asp). This variant is not present in population databases (gnomAD no frequency). This variant has not been reported in the literature in individuals affected with APC-related conditions. ClinVar contains an entry for this variant (Variation ID: 537437). Algorithms developed to predict the effect of missense changes on protein structure and function are either unavailable or do not agree on the potential impact of this missense change (SIFT: "Tolerated"; PolyPhen-2: "Probably Damaging"; Align-GVGD: "Class C0"). In summary, the available evidence is currently insufficient to determine the role of this variant in disease. Therefore, it has been classified as a Variant of Uncertain Significance.